The following is an entry in ClinVar:

NM_001161352.2(KCNMA1):c.584A>C (p.Tyr195Ser)

Gene: KCNMA1 (potassium calcium-activated channel subfamily M alpha 1; minus strand). Cytogenetic location: 10q22.3.
Variant type: single nucleotide variant.
Coding change: c.584A>C on transcript NM_001161352.2 (MANE Select); coding-DNA position 584, A replaced by C.
Protein change: p.Tyr195Ser; replaces tyrosine 195 with serine.
Molecular consequence: missense variant. On other transcripts: 5 prime UTR variant (1).
Genome position (GRCh38, 1-based): chr10:77,251,213, T>G on the plus strand (A>C on the coding strand, the complement: KCNMA1 is on the minus strand). VCF-style: chr10-77251213-T-G. GRCh37 (hg19) VCF-style: chr10-79010971-T-G.
Other names: c.584A>C, p.Tyr195Ser (NM_001014797.3, NM_001161353.2, NM_001271519.2 and 8 more transcripts); c.422A>C, p.Tyr141Ser (NM_001271518.2); c.-33A>C (NM_001322838.2); short protein forms Y195S, Y141S.
Identifiers: ClinVar variation 2767548 (VCV002767548.3), dbSNP rs2552083727, ClinGen allele CA377410810.
Genomic context (GRCh38, chr10:77,251,213, plus strand): 5'-TGTTTATGAAACGAGGGCAAGAAAGTATATTTGAATACTCACTTTGATGAATCTATGAAG[T>G]ATATTACAAGTGCACCGATGCTGAGAGCAAAGACTAAGACAACCTGTAAAAGAAGAGGAG-3'
Protein context (NP_001154824.1, residues 185-205): FALSIGALVI[Tyr195Ser]FIDSSNPIES

ClinVar aggregate classification (germline): Uncertain significance (1 of 4 stars; one submission).

Conditions:
Generalized epilepsy-paroxysmal dyskinesia syndrome (PNKD3). Also called: Generalized epilepsy and paroxysmal dyskinesia; Paroxysmal nonkinesigenic dyskinesia, 3, with or without generalized epilepsy. Identifiers: Orphanet 79137, MedGen C5574945, MONDO:0012276, OMIM 609446.

Submission:

Labcorp Genetics (formerly Invitae), Labcorp
Classification: Uncertain significance for Generalized epilepsy-paroxysmal dyskinesia syndrome. Last evaluated: 2024-05-28. Review status: criteria provided, single submitter. Criteria: Invitae Variant Classification Sherloc (09022015). Collection method: clinical testing. Allele origin: germline.
Comment: This sequence change replaces tyrosine, which is neutral and polar, with serine, which is neutral and polar, at codon 195 of the KCNMA1 protein (p.Tyr195Ser). This variant is not present in population databases (gnomAD no frequency). This variant has not been reported in the literature in individuals affected with KCNMA1-related conditions. Advanced modeling of protein sequence and biophysical properties (such as structural, functional, and spatial information, amino acid conservation, physicochemical variation, residue mobility, and thermodynamic stability) performed at Invitae indicates that this missense variant is expected to disrupt KCNMA1 protein function with a positive predictive value of 80%. In summary, the available evidence is currently insufficient to determine the role of this variant in disease. Therefore, it has been classified as a Variant of Uncertain Significance.